The following is an entry in ClinVar:

ClinVar aggregate classification (germline): Pathogenic (1 of 4 stars; one submission).

Allele frequency attached by ClinVar (database versions not stated): gnomAD 0.00001; gnomAD exomes 0.00001; TOPMed 0.00001.

Submission:

Labcorp Genetics (formerly Invitae), Labcorp
Classification: Pathogenic. Last evaluated: 2022-12-02. Review status: criteria provided, single submitter. Criteria: Invitae Variant Classification Sherloc (09022015). Collection method: clinical testing. Allele origin: germline.
Comment: For these reasons, this variant has been classified as Pathogenic. ClinVar contains an entry for this variant (Variation ID: 845563). This premature translational stop signal has been observed in individual(s) with junctional epidermolysis bullosa (PMID: 16473856). This variant is not present in population databases (gnomAD no frequency). This sequence change creates a premature translational stop signal (p.Cys500*) in the LAMB3 gene. It is expected to result in an absent or disrupted protein product. Loss-of-function variants in LAMB3 are known to be pathogenic (PMID: 11023379, 16473856).

Literature cited by the submitters: PubMed 16473856; PubMed 11023379.

NM_000228.3(LAMB3):c.1500C>A (p.Cys500Ter)

Gene: LAMB3 (laminin subunit beta 3; minus strand). Cytogenetic location: 1q32.2.
Variant type: single nucleotide variant.
Coding change: c.1500C>A on transcript NM_000228.3 (MANE Select); coding-DNA position 1500, C replaced by A.
Protein change: p.Cys500Ter; replaces cysteine 500 with a stop codon.
Molecular consequence: nonsense.
Genome position (GRCh38, 1-based): chr1:209,626,964, G>T on the plus strand (C>A on the coding strand, the complement: LAMB3 is on the minus strand). VCF-style: chr1-209626964-G-T. GRCh37 (hg19) VCF-style: chr1-209800309-G-T.
Other names: c.1500C>A, p.Cys500Ter (NM_001017402.2, NM_001127641.1); short protein forms C500*.
Identifiers: ClinVar variation 845563 (VCV000845563.9), dbSNP rs893599116, ClinGen allele CA36756994.